The following is an entry in ClinVar:

NM_024642.5(GALNT12):c.921T>C (p.Ser307=)

Gene: GALNT12 (polypeptide N-acetylgalactosaminyltransferase 12; plus strand). Cytogenetic location: 9q22.33.
Variant type: single nucleotide variant.
Coding change: c.921T>C on transcript NM_024642.5 (MANE Select); coding-DNA position 921, T replaced by C.
Protein change: p.Ser307=; no amino-acid change (serine 307 retained).
Molecular consequence: synonymous variant.
Genome position (GRCh38, 1-based): chr9:98,835,252, T>C. VCF-style: chr9-98835252-T-C. GRCh37 (hg19) VCF-style: chr9-101597534-T-C.
Identifiers: ClinVar variation 1766241 (VCV001766241.3), dbSNP rs1254377085, ClinGen allele CA466424908.
Genomic context (GRCh38, chr9:98,835,252, plus strand): 5'-ATAACTGTGATGGTTTTCTGCTGTCTACAGTGAAATAAGGATATCATACTTTTTTAGGTC[T>C]CCAACAATGGCTGGTGGGCTGTTTGCTGTGAGTAAGAAATATTTTGAATATCTGGGGTCT-3'
Protein context (NP_078918.3, residues 297-317): RMQSPVDVIR[Ser307=]PTMAGGLFAV

ClinVar aggregate classification (germline): Benign/Likely benign. Review status: criteria provided, multiple submitters, no conflicts (2 of 4 stars). 2 submissions from 2 submitters: Benign (1); Likely benign (1). Last evaluated 2026-04-24.

Conditions:
Colorectal cancer, susceptibility to, 1. Also called: COLORECTAL ADENOMA AND CANCER, SUSCEPTIBILITY TO; COLORECTAL CANCER, SUSCEPTIBILITY TO, ON CHROMOSOME 9. Identifiers: MedGen C1837315, MONDO:0012132, OMIM 608812.

Allele frequency attached by ClinVar (database versions not stated): gnomAD 0.00001.
gnomAD v4.1: 1 of 1,609,612 alleles (0.000062%); highest among the groups gnomAD compares: African/African-American, 0.0013%; no homozygotes.

Submissions (2):

Myriad Genetics, Inc.
Classification: Benign for Colorectal cancer, susceptibility to, 1. Last evaluated: 2026-04-24. Review status: criteria provided, single submitter. Criteria: Myriad Autosomal Dominant, Autosomal Recessive and X-Linked Classification Criteria (2023). Collection method: clinical testing. Allele origin: unknown.
Comment: This variant is considered benign. This variant is a silent/synonymous amino acid change and it is not expected to impact splicing.

Ambry Genetics
Classification: Likely benign. Last evaluated: 2022-06-21. Review status: criteria provided, single submitter. Criteria: Ambry Variant Classification Scheme 2023. Collection method: clinical testing. Allele origin: germline.